The following is an entry in ClinVar:

NM_017654.4(SAMD9):c.3388A>C (p.Lys1130Gln)

Gene: SAMD9 (sterile alpha motif domain containing 9; minus strand). Cytogenetic location: 7q21.2.
Variant type: single nucleotide variant.
Coding change: c.3388A>C on transcript NM_017654.4 (MANE Select); coding-DNA position 3388, A replaced by C.
Protein change: p.Lys1130Gln; replaces lysine 1130 with glutamine.
Molecular consequence: missense variant.
Genome position (GRCh38, 1-based): chr7:93,102,710, T>G on the plus strand (A>C on the coding strand, the complement: SAMD9 is on the minus strand). VCF-style: chr7-93102710-T-G. GRCh37 (hg19) VCF-style: chr7-92732023-T-G.
Other names: c.3388A>C, p.Lys1130Gln (NM_001193307.2); short protein forms K1130Q.
Identifiers: ClinVar variation 5028767 (VCV005028767.1).

ClinVar aggregate classification (germline): Uncertain significance (1 of 4 stars; one submission).

Conditions:
Inborn genetic diseases. Identifiers: MedGen C0950123, MeSH D030342.

Submission:

Ambry Genetics
Classification: Uncertain significance for Inborn genetic diseases. Last evaluated: 2026-07-20. Review status: criteria provided, single submitter. Criteria: Ambry Variant Classification Scheme 2023. Collection method: clinical testing. Allele origin: germline.
Comment: The p.K1130Q variant (also known as c.3388A>C), located in coding exon 1 of the SAMD9 gene, results from an A to C substitution at nucleotide position 3388. The lysine at codon 1130 is replaced by glutamine, an amino acid with similar properties. This amino acid position is conserved. In addition, this alteration is predicted to be tolerated by in silico analysis. Based on the available evidence, the clinical significance of this variant remains unclear.